The following is an entry in ClinVar:

ClinVar aggregate classification (germline): Likely pathogenic (1 of 4 stars; one submission).

Conditions:
Autosomal recessive polycystic kidney disease (ARPKD). Also called: AR polycystic kidney disease. Identifiers: Orphanet 731, Orphanet 8378, MedGen C0085548, MeSH D017044, MONDO:0009889.

Submission:

Natera, Inc.
Classification: Likely pathogenic for Autosomal recessive polycystic kidney disease. Last evaluated: 2024-04-11. Review status: criteria provided, single submitter. Criteria: Natera Variant Classification Schema (03/2026). Collection method: clinical testing. Allele origin: germline.
Comment: The c.656delG variant in PKHD1 is a frameshift variant predicted to shift the reading frame beginning at codon 219 and leads to a stop codon 27 codons downstream. This variant is expected to result in nonsense mediated decay, truncation, or a dysfunctional protein product. This variant is rare in the general population with a frequency below the threshold expected for the associated phenotype(s). Given the available evidence, this variant is classified as Likely Pathogenic.

NM_138694.4(PKHD1):c.656del (p.Gly219fs)

Gene: PKHD1 (PKHD1 ciliary IPT domain containing fibrocystin/polyductin; minus strand). Cytogenetic location: 6p12.2.
Variant type: Deletion.
Coding change: c.656del on transcript NM_138694.4 (MANE Select); coding-DNA position 656, one base deleted (G; older notation c.656delG).
Protein change: p.Gly219fs; shifts the reading frame from glycine 219.
Molecular consequence: frameshift variant.
Genome position (GRCh38, 1-based): chr6:52,071,017, C deleted on the plus strand (G on the coding strand, the reverse complement: PKHD1 is on the minus strand); the first of 2 consecutive C bases (chr6:52,071,017-52,071,018); deleting either gives the same sequence. VCF-style (leftmost placement, unchanged base first): chr6-52071016-GC-G. GRCh37 (hg19) VCF-style: chr6-51935814-GC-G.
Other names: c.656del, p.Gly219fs (NM_170724.3); short protein forms G219fs.
Identifiers: ClinVar variation 4816720 (VCV004816720.2).
Genomic context (GRCh38, chr6:52,071,016, plus strand): 5'-AGAGAAAGAAATGGATAAGACTTTAAAATTATGTTACTTCTCTAACAGACCGATGTAGTC[GC>G]CTTCCACATGGCACTGCAGAGTCCCAAGACCATGGTCCTCCTGAATAGGATAACTAAGGA-3'